The following is an entry in ClinVar:

ClinVar aggregate classification (germline): Uncertain significance. Review status: criteria provided, multiple submitters, no conflicts (2 of 4 stars). 2 submissions from 2 submitters: Uncertain significance (2). Last evaluated 2026-09-25.

Conditions:
3-methylglutaconic aciduria, type VIIB (MGCA7B). Also called: 3-methylglutaconic aciduria, type VII, with cataracts, neurologic involvement and neutropenia; CLPB Deficiency; 3-methylglutaconic aciduria with cataracts, neurologic involvement and neutropenia. Identifiers: Orphanet 445038, MedGen C5676893, MONDO:0014561, OMIM 616271.

Allele frequency attached by ClinVar (database versions not stated): gnomAD exomes below 0.00001.
gnomAD v4.1: 2 of 1,613,892 alleles (0.00012%); highest among the groups gnomAD compares: Middle Eastern, 0.017%; no homozygotes.

Submissions (2):

GeneDx
Classification: Uncertain significance. Last evaluated: 2026-09-25. Review status: criteria provided, single submitter. Criteria: GeneDx Variant Classification Process June 2021. Collection method: clinical testing. Allele origin: germline.
Comment: In silico analysis supports that this missense variant has a deleterious effect on protein structure/function; Has not been previously published as pathogenic or benign to our knowledge

Labcorp Genetics (formerly Invitae), Labcorp
Classification: Uncertain significance for 3-methylglutaconic aciduria, type VIIB. Last evaluated: 2025-11-11. Review status: criteria provided, single submitter. Criteria: Invitae Variant Classification Sherloc (09022015). Collection method: clinical testing. Allele origin: germline.
Comment: This sequence change replaces glycine, which is neutral and non-polar, with valine, which is neutral and non-polar, at codon 299 of the CLPB protein (p.Gly299Val). This variant is present in population databases (no rsID available, gnomAD 0.0009%). This variant has not been reported in the literature in individuals affected with CLPB-related conditions. ClinVar contains an entry for this variant (Variation ID: 860269). An algorithm developed to predict the effect of missense changes on protein structure and function (PolyPhen-2) suggests that this variant is likely to be disruptive. In summary, the available evidence is currently insufficient to determine the role of this variant in disease. Therefore, it has been classified as a Variant of Uncertain Significance.

NM_001258392.3(CLPB):c.806G>T (p.Gly269Val)

Gene: CLPB (ClpB family mitochondrial disaggregase; minus strand). Cytogenetic location: 11q13.4.
Variant type: single nucleotide variant.
Coding change: c.806G>T on transcript NM_001258392.3 (MANE Select); coding-DNA position 806, G replaced by T.
Protein change: p.Gly269Val; replaces glycine 269 with valine.
Molecular consequence: missense variant.
Genome position (GRCh38, 1-based): chr11:72,329,774, C>A on the plus strand (G>T on the coding strand, the complement: CLPB is on the minus strand). VCF-style: chr11-72329774-C-A. GRCh37 (hg19) VCF-style: chr11-72040818-C-A.
Other names: c.719G>T, p.Gly240Val (NM_001258393.3); c.761G>T, p.Gly254Val (NM_001258394.3); c.896G>T, p.Gly299Val (NM_030813.6); short protein forms G240V, G254V, G269V, G299V.
Identifiers: ClinVar variation 860269 (VCV000860269.12), dbSNP rs1390365704, ClinGen allele CA381742120.